The following is an entry in ClinVar:

ClinVar aggregate classification (germline): Uncertain significance. Review status: criteria provided, multiple submitters, no conflicts (2 of 4 stars). 4 submissions from 4 submitters: Uncertain significance (2). 2 of the submissions do not count toward it. Last evaluated 2024-11-12.

Conditions:
Desmin-related myofibrillar myopathy (MFM1). Also called: Desminopathy; Desmin related myopathy (former name); Desmin storage myopathy (former name); Myofibrillar myopathy 1; MYOFIBRILLAR MYOPATHY WITH ARRHYTHMOGENIC RIGHT VENTRICULAR CARDIOMYOPATHY; DESMIN-RELATED MYOPATHY WITH ARRHYTHMOGENIC RIGHT VENTRICULAR CARDIOMYOPATHY. Identifiers: Orphanet 363543, Orphanet 98909, MedGen C1832370, MONDO:0011076, OMIM 601419.
Cardiovascular phenotype. Identifiers: MedGen CN230736.

Allele frequency attached by ClinVar (database versions not stated): ExAC 0.00001; gnomAD 0.00001; gnomAD exomes 0.00001; ESP Exome Variant Server 0.00008.
gnomAD v4.1: 4 of 1,614,052 alleles (0.00025%); highest among the groups gnomAD compares: African/African-American, 0.0013%; no homozygotes.

Submissions (4):

Labcorp Genetics (formerly Invitae), Labcorp
Classification: Uncertain significance for Desmin-related myofibrillar myopathy. Last evaluated: 2024-11-12. Review status: criteria provided, single submitter. Criteria: Invitae Variant Classification Sherloc (09022015). Collection method: clinical testing. Allele origin: germline.
Comment: This sequence change replaces arginine, which is basic and polar, with cysteine, which is neutral and slightly polar, at codon 222 of the DES protein (p.Arg222Cys). This variant is present in population databases (rs374687448, gnomAD 0.004%). This variant has not been reported in the literature in individuals affected with DES-related conditions. ClinVar contains an entry for this variant (Variation ID: 1284590). Invitae Evidence Modeling of protein sequence and biophysical properties (such as structural, functional, and spatial information, amino acid conservation, physicochemical variation, residue mobility, and thermodynamic stability) has been performed for this missense variant. However, the output from this modeling did not meet the statistical confidence thresholds required to predict the impact of this variant on DES protein function. In summary, the available evidence is currently insufficient to determine the role of this variant in disease. Therefore, it has been classified as a Variant of Uncertain Significance.

Ambry Genetics
Classification: Uncertain significance for Cardiovascular phenotype. Last evaluated: 2024-01-03. Review status: criteria provided, single submitter. Criteria: Ambry Variant Classification Scheme 2023. Collection method: clinical testing. Allele origin: germline.
Comment: The p.R222C variant (also known as c.664C>T), located in coding exon 3 of the DES gene, results from a C to T substitution at nucleotide position 664. The arginine at codon 222 is replaced by cysteine, an amino acid with highly dissimilar properties. This amino acid position is highly conserved in available vertebrate species. In addition, this alteration is predicted to be deleterious by in silico analysis. Since supporting evidence is limited at this time, the clinical significance of this alteration remains unclear.

Clinical Genetics DNA and cytogenetics Diagnostics Lab, Erasmus MC, Erasmus Medical Center
Classification: Uncertain significance. Review status: no assertion criteria provided. Collection method: clinical testing. Allele origin: germline. Affected: yes. Study: VKGL Data-share Consensus. Not counted in ClinVar's aggregate classification.

Clinical Genetics, Academic Medical Center
Classification: Uncertain significance. Review status: no assertion criteria provided. Collection method: clinical testing. Allele origin: germline. Affected: yes. Study: VKGL Data-share Consensus. Not counted in ClinVar's aggregate classification.

NM_001927.4(DES):c.664C>T (p.Arg222Cys)

Gene: DES (desmin; plus strand). Cytogenetic location: 2q35.
Variant type: single nucleotide variant.
Coding change: c.664C>T on transcript NM_001927.4 (MANE Select); coding-DNA position 664, C replaced by T.
Protein change: p.Arg222Cys; replaces arginine 222 with cysteine.
Molecular consequence: missense variant. On other transcripts: intron variant (1).
Genome position (GRCh38, 1-based): chr2:219,420,275, C>T. VCF-style: chr2-219420275-C-T. GRCh37 (hg19) VCF-style: chr2-220284997-C-T.
Other names: c.661C>T, p.Arg221Cys (NM_001382708.1); c.664C>T, p.Arg222Cys (NM_001382709.1, NM_001382710.1, NM_001382711.1 and 1 more transcripts); c.496-250C>T (NM_001382713.1); short protein forms R221C, R222C.
Identifiers: ClinVar variation 1284590 (VCV001284590.9), dbSNP rs374687448, ClinGen allele CA2125120.